The following is an entry in ClinVar:

ClinVar aggregate classification (germline): Uncertain significance. Review status: criteria provided, multiple submitters, no conflicts (2 of 4 stars). 2 submissions from 2 submitters: Uncertain significance (2). Last evaluated 2025-04-08.

Submissions (2):

Ambry Genetics
Classification: Uncertain significance. Last evaluated: 2025-04-08. Review status: criteria provided, single submitter. Criteria: Ambry Variant Classification Scheme 2023. Collection method: clinical testing. Allele origin: germline.

Labcorp Genetics (formerly Invitae), Labcorp
Classification: Uncertain significance. Last evaluated: 2024-10-30. Review status: criteria provided, single submitter. Criteria: Invitae Variant Classification Sherloc (09022015). Collection method: clinical testing. Allele origin: germline.
Comment: This sequence change replaces histidine, which is basic and polar, with asparagine, which is neutral and polar, at codon 1604 of the CCDC88A protein (p.His1604Asn). This variant is not present in population databases (gnomAD no frequency). This variant has not been reported in the literature in individuals affected with CCDC88A-related conditions. ClinVar contains an entry for this variant (Variation ID: 1356127). An algorithm developed to predict the effect of missense changes on protein structure and function (PolyPhen-2) suggests that this variant is likely to be disruptive. In summary, the available evidence is currently insufficient to determine the role of this variant in disease. Therefore, it has been classified as a Variant of Uncertain Significance.

NM_001365480.1(CCDC88A):c.4813C>A (p.His1605Asn)

Gene: CCDC88A (coiled-coil and HOOK domain protein 88A; minus strand). Cytogenetic location: 2p16.1.
Variant type: single nucleotide variant.
Coding change: c.4813C>A on transcript NM_001365480.1 (MANE Select); coding-DNA position 4813, C replaced by A.
Protein change: p.His1605Asn; replaces histidine 1605 with asparagine.
Molecular consequence: missense variant.
Genome position (GRCh38, 1-based): chr2:55,299,851, G>T on the plus strand (C>A on the coding strand, the complement: CCDC88A is on the minus strand). VCF-style: chr2-55299851-G-T. GRCh37 (hg19) VCF-style: chr2-55526987-G-T.
Other names: c.4810C>A (NM_001135597.1); c.4810C>A, p.His1604Asn (NM_001135597.2, NM_001254943.2); c.4729C>A, p.His1577Asn (NM_018084.5); short protein forms H1604N, H1605N, H1577N.
Identifiers: ClinVar variation 1356127 (VCV001356127.9), dbSNP rs2104566468, ClinGen allele CA346913110.